The following is an entry in ClinVar:

NM_004174.4(SLC9A3):c.2158A>G (p.Thr720Ala)

Genes: SLC9A3 (solute carrier family 9 member A3), SLC9A3-AS1 (SLC9A3 antisense RNA 1; plus strand). Cytogenetic location: 5p15.33.
Variant type: single nucleotide variant.
Coding change: c.2158A>G on transcript NM_004174.4 (MANE Select); coding-DNA position 2158, A replaced by G.
Protein change: p.Thr720Ala; replaces threonine 720 with alanine.
Molecular consequence: missense variant.
Genome position (GRCh38, 1-based): chr5:475,654, T>C on the plus strand (A>G on the coding strand, the complement: SLC9A3 is on the minus strand). VCF-style: chr5-475654-T-C. GRCh37 (hg19) VCF-style: chr5-475769-T-C.
Other names: c.2131A>G, p.Thr711Ala (NM_001284351.3); short protein forms T711A, T720A.
Identifiers: ClinVar variation 722287 (VCV000722287.20), dbSNP rs145183553, ClinGen allele CA3175535.

ClinVar aggregate classification (germline): Likely benign. Review status: criteria provided, multiple submitters, no conflicts (2 of 4 stars). 3 submissions from 3 submitters: Likely benign (3). Last evaluated 2025-12-01.

Conditions:
SLC9A3-related disorder. Also called: SLC9A3-related condition.

Allele frequency attached by ClinVar (database versions not stated): gnomAD exomes 0.00015 and 0.00041; ExAC 0.00111; gnomAD 0.00162 and 0.00174; 1000 Genomes Project 30x 0.00187; TOPMed 0.00189; ESP Exome Variant Server 0.00198; 1000 Genomes Project 0.00200.
gnomAD v4.1: 459 of 1,550,186 alleles (0.03%); highest among the groups gnomAD compares: African/African-American, 0.58%; 1 homozygote.

Submissions (3):

Labcorp Genetics (formerly Invitae), Labcorp
Classification: Likely benign. Last evaluated: 2025-12-01. Review status: criteria provided, single submitter. Criteria: Invitae Variant Classification Sherloc (09022015). Collection method: clinical testing. Allele origin: germline.

CeGaT Center for Human Genetics Tuebingen
Classification: Likely benign. Last evaluated: 2025-05-01. Review status: criteria provided, single submitter. Criteria: CeGaT Center For Human Genetics Tuebingen Variant Classification Criteria Version 2. Collection method: clinical testing. Allele origin: germline. Affected: yes. Observed: 1 variant allele.
Comment: SLC9A3: BP4

PreventionGenetics, part of Exact Sciences
Classification: Likely benign for SLC9A3-related condition. Last evaluated: 2025-01-14. Review status: criteria provided, single submitter. Criteria: ACMG Guidelines, 2015. Collection method: clinical testing. Allele origin: germline.
Comment: This variant is classified as likely benign based on ACMG/AMP sequence variant interpretation guidelines (Richards et al. 2015 PMID: 25741868, with internal and published modifications).